The following is an entry in ClinVar:

ClinVar aggregate classification (germline): Uncertain significance (1 of 4 stars; one submission).

Allele frequency attached by ClinVar (database versions not stated): gnomAD 0.00001; TOPMed 0.00001; gnomAD exomes 0.00002 and 0.00004.

Submission:

Labcorp Genetics (formerly Invitae), Labcorp
Classification: Uncertain significance. Last evaluated: 2024-10-25. Review status: criteria provided, single submitter. Criteria: Invitae Variant Classification Sherloc (09022015). Collection method: clinical testing. Allele origin: germline.
Comment: This sequence change replaces arginine, which is basic and polar, with glutamine, which is neutral and polar, at codon 126 of the TBCK protein (p.Arg126Gln). This variant is present in population databases (no rsID available, gnomAD 0.01%). This variant has not been reported in the literature in individuals affected with TBCK-related conditions. ClinVar contains an entry for this variant (Variation ID: 1354787). Invitae Evidence Modeling of protein sequence and biophysical properties (such as structural, functional, and spatial information, amino acid conservation, physicochemical variation, residue mobility, and thermodynamic stability) indicates that this missense variant is not expected to disrupt TBCK protein function with a negative predictive value of 80%. In summary, the available evidence is currently insufficient to determine the role of this variant in disease. Therefore, it has been classified as a Variant of Uncertain Significance.

NM_001163435.3(TBCK):c.377G>A (p.Arg126Gln)

Gene: TBCK (TBC1 domain containing kinase; minus strand). Cytogenetic location: 4q24.
Variant type: single nucleotide variant.
Coding change: c.377G>A on transcript NM_001163435.3 (MANE Select); coding-DNA position 377, G replaced by A.
Protein change: p.Arg126Gln; replaces arginine 126 with glutamine.
Molecular consequence: missense variant. On other transcripts: 5 prime UTR variant (1), intron variant (1).
Genome position (GRCh38, 1-based): chr4:106,262,102, C>T on the plus strand (G>A on the coding strand, the complement: TBCK is on the minus strand). VCF-style: chr4-106262102-C-T. GRCh37 (hg19) VCF-style: chr4-107183259-C-T.
Other names: c.377G>A, p.Arg126Gln (NM_001163436.4, NM_001163437.3); c.-241G>A (NM_001290768.2); c.267-10095G>A (NM_033115.5); short protein forms R126Q.
Identifiers: ClinVar variation 1354787 (VCV001354787.6), dbSNP rs947387010, ClinGen allele CA103416673.